The following is an entry in ClinVar:

ClinVar aggregate classification (germline): Conflicting classifications of pathogenicity. Review status: criteria provided, conflicting classifications (1 of 4 stars). 5 submissions from 4 submitters: Uncertain significance (3); Likely benign (2). Last evaluated 2025-12-08.

Conditions:
Cardiovascular phenotype. Identifiers: MedGen CN230736.
Hypercholesterolemia, autosomal dominant, type B (FHCL2). Also called: Familial hypercholesterolemia 2; Familial Hypercholesterolemia Type B; APOLIPOPROTEIN B-100, FAMILIAL DEFECTIVE; APOLIPOPROTEIN B-100, FAMILIAL LIGAND-DEFECTIVE; HYPERCHOLESTEROLEMIA, FAMILIAL, DUE TO LIGAND-DEFECTIVE APOLIPOPROTEIN B; APOB-Related Familial Hypercholesterolemia, Autosomal Dominant. Identifiers: MedGen C1704417, MONDO:0007751, OMIM 144010.
Familial hypobetalipoproteinemia 1. Also called: Hypobetalipoproteinemia, normotriglyceridemic; Acanthocytosis with hypobetalipoproteinemia; APOB-Related Familial Hypobetalipoproteinemia. Identifiers: MedGen C4551990, MONDO:0014252, OMIM 615558.
Familial hypercholesterolemia. Also called: Familial hypercholesterolaemia; Familial hypercholesterolemias. Identifiers: MedGen C0020445, MONDO:0005439.

Allele frequency attached by ClinVar (database versions not stated): gnomAD exomes 0.00003 and 0.00008; ExAC 0.00006; ESP Exome Variant Server 0.00008; gnomAD 0.00009; TOPMed 0.00011.
gnomAD v4.1: 51 of 1,613,534 alleles (0.0032%); highest among the groups gnomAD compares: Middle Eastern, 0.066%; no homozygotes.

Submissions (5):

Cambridge Genomics Laboratory, East Genomic Laboratory Hub, NHS Genomic Medicine Service
Classification: Uncertain significance for Familial hypercholesterolaemia. Last evaluated: 2025-12-08. Review status: criteria provided, single submitter. Criteria: ACGS Best Practice Guidelines for Variant Classification in Rare Disease 2020. Collection method: clinical testing. Allele origin: germline. Affected: yes.
Comment: BP2

Labcorp Genetics (formerly Invitae), Labcorp
Classification: Likely benign for Familial hypobetalipoproteinemia 1; Hypercholesterolemia, autosomal dominant, type B. Last evaluated: 2025-08-25. Review status: criteria provided, single submitter. Criteria: Invitae Variant Classification Sherloc (09022015). Collection method: clinical testing. Allele origin: germline.

Ambry Genetics
Classification: Likely benign for Cardiovascular phenotype. Last evaluated: 2019-09-19. Review status: criteria provided, single submitter. Criteria: Ambry Variant Classification Scheme 2023. Collection method: clinical testing. Allele origin: germline.

Illumina Laboratory Services, Illumina
Classification: Uncertain significance for Familial hypobetalipoproteinemia 1. Last evaluated: 2018-01-13. Review status: criteria provided, single submitter. Criteria: ICSL Variant Classification Criteria 13 December 2019. Collection method: clinical testing. Allele origin: germline.

Illumina Laboratory Services, Illumina
Classification: Uncertain significance for Hypercholesterolemia, autosomal dominant, type B. Last evaluated: 2018-01-13. Review status: criteria provided, single submitter. Criteria: ICSL Variant Classification Criteria 13 December 2019. Collection method: clinical testing. Allele origin: germline.

NM_000384.3(APOB):c.12137G>A (p.Arg4046Gln)

Gene: APOB (apolipoprotein B; minus strand). Cytogenetic location: 2p24.1.
Variant type: single nucleotide variant.
Coding change: c.12137G>A on transcript NM_000384.3 (MANE Select); coding-DNA position 12137, G replaced by A.
Protein change: p.Arg4046Gln; replaces arginine 4046 with glutamine.
Molecular consequence: missense variant.
Genome position (GRCh38, 1-based): chr2:21,003,285, C>T on the plus strand (G>A on the coding strand, the complement: APOB is on the minus strand). VCF-style: chr2-21003285-C-T. GRCh37 (hg19) VCF-style: chr2-21226157-C-T.
Other names: short protein forms R4046Q.
Identifiers: ClinVar variation 334082 (VCV000334082.22), dbSNP rs149273387, ClinGen allele CA049343.
Genomic context (GRCh38, chr2:21,003,285, plus strand): 5'-AAGCCAGAAGCTGCCTCTTCTTCCCAATTAACTTTGATCTGAGTTTCCTCATCAGATTCC[C>T]GGACCCTCAACTCAGTTTTGAATATGGTGAGTTTTTTATCTGGAGAGGACTAAACAGAGA-3'
Protein context (NP_000375.3, residues 4036-4056): LTIFKTELRV[Arg4046Gln]ESDEETQIKV